The following is an entry in ClinVar:

ClinVar aggregate classification (germline): Pathogenic (1 of 4 stars; one submission).

Conditions:
Wilson disease (WND). Also called: Wilson's disease. Identifiers: Orphanet 905, MedGen C0019202, MONDO:0010200, OMIM 277900. Disease mechanism: loss of function.

Submission:

Labcorp Genetics (formerly Invitae), Labcorp
Classification: Pathogenic for Wilson disease. Last evaluated: 2022-12-23. Review status: criteria provided, single submitter. Criteria: Invitae Variant Classification Sherloc (09022015). Collection method: clinical testing. Allele origin: unknown.
Comment: For these reasons, this variant has been classified as Pathogenic. This variant has not been reported in the literature in individuals affected with ATP7B-related conditions. This variant is a gross deletion of the genomic region encompassing exon(s) 1-2 of the ATP7B gene, which includes the initiator codon. This deletion extends beyond the assayed region for this gene and therefore may encompass additional genes. It is expected to result in an absent or disrupted protein product. Loss-of-function variants in ATP7B are known to be pathogenic (PMID: 10441329, 16283883).

Literature cited by the submitters: PubMed 10441329; PubMed 16283883.

NC_000013.10:g.(?_52548051)_(52585933_?)del

Gene: ATP7B (ATPase copper transporting beta; minus strand). Cytogenetic location: 13q14.3.
Variant type: Deletion.
Identifiers: ClinVar variation 3244109 (VCV003244109.1).